The following is an entry in ClinVar:

ClinVar aggregate classification (germline): Uncertain significance (1 of 4 stars; one submission).

Submission:

GeneDx
Classification: Uncertain significance. Last evaluated: 2024-02-08. Review status: criteria provided, single submitter. Criteria: GeneDx Variant Classification Process June 2021. Collection method: clinical testing. Allele origin: germline. Affected: yes.
Comment: Not observed at significant frequency in large population cohorts (gnomAD); Canonical splice site variant in a gene or region of a gene for which loss of function is not a well-established mechanism of disease; Has not been previously published as pathogenic or benign to our knowledge

NM_001205293.3(CACNA1E):c.2948+1G>A

Gene: CACNA1E (calcium voltage-gated channel subunit alpha1 E; plus strand). Cytogenetic location: 1q25.3.
Variant type: single nucleotide variant.
Coding change: c.2948+1G>A on transcript NM_001205293.3 (MANE Select); the canonical splice donor site of the intron after coding-DNA position 2948, G replaced by A.
Molecular consequence: splice donor variant.
Genome position (GRCh38, 1-based): chr1:181,733,035, G>A. VCF-style: chr1-181733035-G-A. GRCh37 (hg19) VCF-style: chr1-181702171-G-A.
Other names: c.2948+1G>A (NM_000721.4); c.2891+1G>A (NM_001205294.2).
Identifiers: ClinVar variation 3368897 (VCV003368897.1).
Genomic context (GRCh38, chr1:181,733,035, plus strand): 5'-GGGCAACCATGGTGCCAAGGAGCCAACGATCCAAGAAGAGAGAGCCCAGGATTTAAGGAG[G>A]TGAGTGAGTCACAGGGCTCCCAGATGGATGGCACACAGGCTGCTGTTAGGTGTTCCTCAA-3'